The following is an entry in ClinVar:

ClinVar aggregate classification (germline): Uncertain significance (1 of 4 stars; one submission).

gnomAD v4.1: 2 of 1,614,164 alleles (0.00012%); highest among the groups gnomAD compares: Non-Finnish European, 0.00017%; no homozygotes.

Submission:

Women's Health and Genetics/Laboratory Corporation of America, LabCorp
Classification: Uncertain significance. Last evaluated: 2025-12-31. Review status: criteria provided, single submitter. Criteria: LabCorp Variant Classification Summary - May 2015. Collection method: clinical testing. Allele origin: germline.
Comment: Variant summary: WNK1 c.2693C>A (p.Thr898Asn) results in a non-conservative amino acid change in the encoded protein sequence. Algorithms developed to predict the effect of missense changes on protein structure and function are either unavailable or do not agree on the potential impact of this missense change. The variant was absent in 251340 control chromosomes. The available data on variant occurrences in the general population are insufficient to allow any conclusion about variant significance. To our knowledge, no occurrence of c.2693C>A in individuals affected with WNK1-related conditions and no experimental evidence demonstrating its impact on protein function have been reported. No submitters have cited clinical-significance assessments for this variant to ClinVar. Based on the evidence outlined above, the variant was classified as uncertain significance.

NM_018979.4(WNK1):c.2693C>A (p.Thr898Asn)

Gene: WNK1 (WNK lysine deficient protein kinase 1; plus strand). Cytogenetic location: 12p13.33.
Variant type: single nucleotide variant.
Coding change: c.2693C>A on transcript NM_018979.4 (MANE Select); coding-DNA position 2693, C replaced by A.
Protein change: p.Thr898Asn; replaces threonine 898 with asparagine.
Molecular consequence: missense variant. On other transcripts: intron variant (3).
Genome position (GRCh38, 1-based): chr12:879,892, C>A. VCF-style: chr12-879892-C-A. GRCh37 (hg19) VCF-style: chr12-989058-C-A.
Other names: c.3867+1531C>A (NM_213655.5); c.3613-829C>A (NM_001184985.2); c.2370+1531C>A (NM_014823.3); short protein forms T898N.
Identifiers: ClinVar variation 4688884 (VCV004688884.1).